The following is an entry in ClinVar:

NM_001103.4(ACTN2):c.362-8A>C

Gene: ACTN2 (actinin alpha 2; plus strand). Cytogenetic location: 1q43.
Variant type: single nucleotide variant.
Coding change: c.362-8A>C on transcript NM_001103.4 (MANE Select); 8 bases into the intron before coding-DNA position 362, A replaced by C.
Molecular consequence: intron variant.
Genome position (GRCh38, 1-based): chr1:236,720,097, A>C. VCF-style: chr1-236720097-A-C. GRCh37 (hg19) VCF-style: chr1-236883397-A-C.
Other names: c.-460-8A>C (NM_001278344.2); c.362-8A>C (NM_001278343.2).
Identifiers: ClinVar variation 417198 (VCV000417198.14), dbSNP rs780432522, ClinGen allele CA1472789.

ClinVar aggregate classification (germline): Likely benign. Review status: criteria provided, multiple submitters, no conflicts (2 of 4 stars). 3 submissions from 3 submitters: Likely benign (3). Last evaluated 2026-02-03.

Conditions:
ACTN2-related disorder. Also called: ACTN2 related condition; ACTN2-related disorders.
Primary familial hypertrophic cardiomyopathy (HCM). Identifiers: Orphanet 99739, MedGen C0949658, MeSH D024741, MONDO:0024573. Inheritance: Various modes of inheritance.
Dilated cardiomyopathy 1AA (CMD1AA). Also called: CARDIOMYOPATHY, DILATED, 1AA, WITH OR WITHOUT LEFT VENTRICULAR NONCOMPACTION; CARDIOMYOPATHY, FAMILIAL HYPERTROPHIC, 23, WITH OR WITHOUT LEFT VENTRICULAR NONCOMPACTION; Cardiomyopathy, dilated, 1AA, with or without LVNC. Identifiers: Orphanet 154, MedGen C2677338, MONDO:0012808, OMIM 612158.

Allele frequency attached by ClinVar (database versions not stated): gnomAD exomes below 0.00001; ExAC 0.00002; gnomAD 0.00003 and 0.00004; TOPMed 0.00009.
gnomAD v4.1: 10 of 1,588,772 alleles (0.00063%); highest among the groups gnomAD compares: African/African-American, 0.013%; no homozygotes.

Submissions (3):

PreventionGenetics, part of Exact Sciences
Classification: Likely benign for ACTN2-related condition. Last evaluated: 2026-02-03. Review status: criteria provided, single submitter. Criteria: ACMG Guidelines, 2015. Collection method: clinical testing. Allele origin: germline.
Comment: This variant is classified as likely benign based on ACMG/AMP sequence variant interpretation guidelines (Richards et al. 2015 PMID: 25741868, with internal and published modifications).

Women's Health and Genetics/Laboratory Corporation of America, LabCorp
Classification: Likely benign. Last evaluated: 2026-01-10. Review status: criteria provided, single submitter. Criteria: LabCorp Variant Classification Summary - May 2015. Collection method: clinical testing. Allele origin: germline.

Labcorp Genetics (formerly Invitae), Labcorp
Classification: Likely benign for Primary familial hypertrophic cardiomyopathy; Dilated cardiomyopathy 1AA. Last evaluated: 2025-12-27. Review status: criteria provided, single submitter. Criteria: Invitae Variant Classification Sherloc (09022015). Collection method: clinical testing. Allele origin: germline.